The following is an entry in ClinVar:

NM_030649.3(ACAP3):c.1257C>A (p.Gly419=)

Gene: ACAP3 (ArfGAP with coiled-coil, ankyrin repeat and PH domains 3; minus strand). Cytogenetic location: 1p36.33.
Variant type: single nucleotide variant.
Coding change: c.1257C>A on transcript NM_030649.3 (MANE Select); coding-DNA position 1257, C replaced by A.
Protein change: p.Gly419=; no amino-acid change (glycine 419 retained).
Molecular consequence: synonymous variant.
Genome position (GRCh38, 1-based): chr1:1,296,505, G>T on the plus strand (C>A on the coding strand, the complement: ACAP3 is on the minus strand). VCF-style: chr1-1296505-G-T. GRCh37 (hg19) VCF-style: chr1-1231885-G-T.
Identifiers: ClinVar variation 2637998 (VCV002637998.24), dbSNP rs371372231, ClinGen allele CA515836.
Genomic context (GRCh38, chr1:1,296,505, plus strand): 5'-AATGCAGAGCAGCACGCCCAGGTTGATGCTGGCCCAGCGGGGGTCCGGCTGGCCGCAGTC[G>T]CCGCACTGGCTGTTGCCGGCCACACTCTGCACACGCTGCAGCACACTCTCGCCCTTCACG-3'
Protein context (NP_085152.2, residues 409-429): VQSVAGNSQC[Gly419=]DCGQPDPRWA

ClinVar aggregate classification (germline): Likely benign (1 of 4 stars; one submission).

Allele frequency attached by ClinVar (database versions not stated): ESP Exome Variant Server 0.00009.
gnomAD v4.1: 79 of 1,541,424 alleles (0.0051%); highest among the groups gnomAD compares: Non-Finnish European, 0.0064%; no homozygotes.

Submission:

CeGaT Center for Human Genetics Tuebingen
Classification: Likely benign. Last evaluated: 2022-08-01. Review status: criteria provided, single submitter. Criteria: CeGaT Center For Human Genetics Tuebingen Variant Classification Criteria Version 2. Collection method: clinical testing. Allele origin: germline. Affected: yes. Observed: 1 variant allele.
Comment: ACAP3: BP4, BP7